The following is an entry in ClinVar:

NM_001384140.1(PCDH15):c.3781dup (p.Glu1261fs)

Gene: PCDH15 (protocadherin related 15; minus strand). Cytogenetic location: 10q21.1.
Variant type: Duplication.
Coding change: c.3781dup on transcript NM_001384140.1 (MANE Select); coding-DNA position 3781, one base duplicated (G; older notation c.3781dupG).
Protein change: p.Glu1261fs; shifts the reading frame from glutamic acid 1261.
Molecular consequence: frameshift variant.
Genome position (GRCh38, 1-based): chr10:53,857,200, C duplicated on the plus strand (G on the coding strand, the reverse complement: PCDH15 is on the minus strand); the first of 2 consecutive C bases (chr10:53,857,200-53,857,201); duplicating either gives the same sequence. VCF-style (leftmost placement, unchanged base first): chr10-53857199-T-TC. GRCh37 (hg19) VCF-style: chr10-55616959-T-TC.
Other names: c.3796dup, p.Glu1266fs (NM_001142763.2, NM_001142771.2); c.3781dup, p.Glu1261fs (NM_001142764.2, NM_001142766.2, NM_001142770.3 and 4 more transcripts); c.3568dup, p.Glu1190fs (NM_001142765.2); c.3670dup, p.Glu1224fs (NM_001142767.2); c.3715dup, p.Glu1239fs (NM_001142768.2, NM_001142773.2, NM_001354404.2); c.3816dup, p.Glu1273Glyfs (NM_001142769.4); c.3802dup, p.Glu1268fs (NM_001354411.2); short protein forms E1261fs, E1273fs, E1190fs, E1239fs, E1266fs, E1268fs, E1224fs.
Identifiers: ClinVar variation 2847293 (VCV002847293.4), dbSNP rs2493175361, ClinGen allele CA2739265403.
Genomic context (GRCh38, chr10:53,857,199, plus strand): 5'-ATAAAAATAAATATATAAGGAGACAAAATCAATTACTCTGTAAGATCTTCTATCTTTTTT[T>TC]CCACTAGAGTAGGAGGCACATTGGAAACAATGACTTGCATATCCAGCTGATTGACCACGG-3'

ClinVar aggregate classification (germline): Pathogenic/Likely pathogenic. Review status: criteria provided, multiple submitters, no conflicts (2 of 4 stars). 2 submissions from 2 submitters: Pathogenic (1); Likely pathogenic (1). Last evaluated 2024-03-25.

Conditions:
Autosomal recessive nonsyndromic hearing loss 23. Identifiers: Orphanet 90636, MedGen C1836027, MONDO:0012293, OMIM 609533.

Submissions (2):

Baylor Genetics
Classification: Likely pathogenic for Autosomal recessive nonsyndromic hearing loss 23. Last evaluated: 2024-03-25. Review status: criteria provided, single submitter. Criteria: ACMG Guidelines, 2015. Collection method: clinical testing. Allele origin: unknown.

Labcorp Genetics (formerly Invitae), Labcorp
Classification: Pathogenic. Last evaluated: 2023-03-18. Review status: criteria provided, single submitter. Criteria: Invitae Variant Classification Sherloc (09022015). Collection method: clinical testing. Allele origin: germline.
Comment: For these reasons, this variant has been classified as Pathogenic. This sequence change creates a premature translational stop signal (p.Glu1261Glyfs*47) in the PCDH15 gene. It is expected to result in an absent or disrupted protein product. Loss-of-function variants in PCDH15 are known to be pathogenic (PMID: 11398101, 11487575, 14570705). This variant is not present in population databases (gnomAD no frequency). This variant has not been reported in the literature in individuals affected with PCDH15-related conditions.

Literature cited by the submitters: PubMed 11398101 (cited by Labcorp Genetics (formerly Invitae), Labcorp); PubMed 11487575 (cited by Labcorp Genetics (formerly Invitae), Labcorp); PubMed 14570705 (cited by Labcorp Genetics (formerly Invitae), Labcorp).